The following is an entry in ClinVar:

NM_001267550.2(TTN):c.48574G>A (p.Val16192Ile)

Genes: TTN (titin; minus strand), TTN-AS1 (TTN antisense RNA 1; plus strand). Cytogenetic location: 2q31.2.
Variant type: single nucleotide variant.
Coding change: c.48574G>A on transcript NM_001267550.2 (MANE Select); coding-DNA position 48574, G replaced by A.
Protein change: p.Val16192Ile; replaces valine 16192 with isoleucine.
Molecular consequence: missense variant. On other transcripts: non-coding transcript variant (1).
Genome position (GRCh38, 1-based): chr2:178,615,371, C>T on the plus strand (G>A on the coding strand, the complement: TTN is on the minus strand). VCF-style: chr2-178615371-C-T. GRCh37 (hg19) VCF-style: chr2-179480098-C-T.
Other names: p.Val14551Ile; c.43651G>A, p.Val14551Ile (NM_001256850.1); c.21379G>A, p.Val7127Ile (NM_003319.4); c.40870G>A, p.Val13624Ile (NM_133378.4); c.21754G>A, p.Val7252Ile (NM_133432.3); c.21955G>A, p.Val7319Ile (NM_133437.4); short protein forms V13624I, V14551I, V16192I, V7127I, V7252I, V7319I.
Identifiers: ClinVar variation 3380886 (VCV003380886.1).
Genomic context (GRCh38, chr2:178,615,371, plus strand): 5'-TTTCTGCAACAGGTTCTCCACAGGCAACCCATTTATCAGAACCACGTGGACATCTTTCAA[C>T]TATATATCCTTTGATGCGTGAACCACCATCATTTTTAGGTGGATCCCATGTTAAGAAGAT-3'
Protein context (NP_001254479.2, residues 16182-16202): DGGSRIKGYI[Val16192Ile]ERCPRGSDKW

ClinVar aggregate classification (germline): Uncertain significance (1 of 4 stars; one submission).

gnomAD v4.1: 1 of 1,612,600 alleles (0.000062%); highest among the groups gnomAD compares: Non-Finnish European, 0.000085%; no homozygotes.

Submission:

Mayo Clinic Laboratories, Mayo Clinic
Classification: Uncertain significance. Last evaluated: 2023-08-09. Review status: criteria provided, single submitter. Criteria: ACMG Guidelines, 2015. Collection method: clinical testing. Allele origin: germline. Observed: 1 variant allele.
Comment: BP4, PM2